The following is an entry in ClinVar:

ClinVar aggregate classification (germline): Likely pathogenic. Review status: criteria provided, multiple submitters, no conflicts (2 of 4 stars). 2 submissions from 2 submitters: Likely pathogenic (2). Last evaluated 2025-05-19.

Conditions:
Chuvash polycythemia. Also called: POLYCYTHEMIA, VHL-DEPENDENT. Identifiers: Orphanet 238557, MedGen C1837915, MONDO:0009892, OMIM 263400.
Von Hippel-Lindau syndrome (VHLS). Also called: Von Hippel-Lindau; von Hippel–Lindau syndrome; VHL syndrome. Identifiers: Orphanet 892, MedGen C0019562, MONDO:0008667, OMIM 193300. Disease mechanism: loss of function.

Submissions (2):

Women's Health and Genetics/Laboratory Corporation of America, LabCorp
Classification: Likely pathogenic for Von Hippel-Lindau syndrome. Last evaluated: 2025-05-19. Review status: criteria provided, single submitter. Criteria: LabCorp Variant Classification Summary - May 2015. Collection method: clinical testing. Allele origin: germline.
Comment: Variant summary: VHL c.593T>A (p.Leu198Gln) results in a non-conservative amino acid change in the encoded protein sequence. Algorithms developed to predict the effect of missense changes on protein structure and function all suggest that this variant is likely to be disruptive. The variant was absent in 251404 control chromosomes. c.593T>A has been observed in individual(s) affected with Von Hippel-Lindau Syndrome and pheochormocytoma (Neumann_2019, Knoblauch_2024, Erlic_2010, Kreusel_2000). These data indicate that the variant may be associated with disease. To our knowledge, no experimental evidence demonstrating an impact on protein function has been reported. A different variant affecting the same codon has been classified as likely pathogenic (c.593T>C(p.Leu198Pro)), supporting the critical relevance of codon 198 to VHL protein function.This variant is also known as 806T>A. The following publications have been ascertained in the context of this evaluation (PMID: 20660572, 38647646, 11148816, 31397861). ClinVar contains an entry for this variant (Variation ID: 1066145). Based on the evidence outlined above, the variant was classified as likely pathogenic.

Labcorp Genetics (formerly Invitae), Labcorp
Classification: Likely pathogenic for Von Hippel-Lindau syndrome; Chuvash polycythemia. Last evaluated: 2024-05-04. Review status: criteria provided, single submitter. Criteria: Invitae Variant Classification Sherloc (09022015). Collection method: clinical testing. Allele origin: germline.
Comment: This sequence change replaces leucine, which is neutral and non-polar, with glutamine, which is neutral and polar, at codon 198 of the VHL protein (p.Leu198Gln). This variant is not present in population databases (gnomAD no frequency). This missense change has been observed in individual(s) with clinical features of VHL-related conditions (PMID: 12000816, 20660572). ClinVar contains an entry for this variant (Variation ID: 1066145). Advanced modeling of protein sequence and biophysical properties (such as structural, functional, and spatial information, amino acid conservation, physicochemical variation, residue mobility, and thermodynamic stability) performed at Invitae indicates that this missense variant is expected to disrupt VHL protein function with a positive predictive value of 95%. This variant disrupts the p.Leu198 amino acid residue in VHL. Other variant(s) that disrupt this residue have been determined to be pathogenic (PMID: 24555745, 27539324, 29124493). This suggests that this residue is clinically significant, and that variants that disrupt this residue are likely to be disease-causing. In summary, the currently available evidence indicates that the variant is pathogenic, but additional data are needed to prove that conclusively. Therefore, this variant has been classified as Likely Pathogenic.

Literature cited by the submitters: PubMed 20660572 (cited by Women's Health and Genetics/Laboratory Corporation of America, LabCorp and Labcorp Genetics (formerly Invitae), Labcorp); PubMed 31397861 (cited by Women's Health and Genetics/Laboratory Corporation of America, LabCorp); PubMed 11148816 (cited by Women's Health and Genetics/Laboratory Corporation of America, LabCorp); PubMed 38647646 (cited by Women's Health and Genetics/Laboratory Corporation of America, LabCorp); PubMed 12000816 (cited by Labcorp Genetics (formerly Invitae), Labcorp); PubMed 24555745 (cited by Labcorp Genetics (formerly Invitae), Labcorp); PubMed 27539324 (cited by Labcorp Genetics (formerly Invitae), Labcorp); PubMed 29124493 (cited by Labcorp Genetics (formerly Invitae), Labcorp).

NM_000551.4(VHL):c.593T>A (p.Leu198Gln)

Genes: VHL (von Hippel-Lindau tumor suppressor; plus strand), LOC107303340 (3p25 von Hippel-Lindau tumor suppressor, E3 ubiquitin protein ligase Alu-mediated recombination region; plus strand). Cytogenetic location: 3p25.3.
Variant type: single nucleotide variant.
Coding change: c.593T>A on transcript NM_000551.4 (MANE Select); coding-DNA position 593, T replaced by A.
Protein change: p.Leu198Gln; replaces leucine 198 with glutamine.
Molecular consequence: missense variant. On other transcripts: 3 prime UTR variant (1).
Genome position (GRCh38, 1-based): chr3:10,149,916, T>A. VCF-style: chr3-10149916-T-A. GRCh37 (hg19) VCF-style: chr3-10191600-T-A.
Other names: c.*147T>A (NM_001354723.2); c.470T>A, p.Leu157Gln (NM_198156.3); short protein forms L157Q, L198Q.
Identifiers: ClinVar variation 1066145 (VCV001066145.10), dbSNP rs869025667, ClinGen allele CA351756548.